The following is an entry in ClinVar:

ClinVar aggregate classification (germline): Conflicting classifications of pathogenicity. Review status: criteria provided, conflicting classifications (1 of 4 stars). 2 submissions from 2 submitters: Uncertain significance (1); Likely benign (1). Last evaluated 2023-03-23.

Conditions:
Breast-ovarian cancer, familial, susceptibility to, 2 (BROVCA2). Also called: BRCA2 Hereditary Breast and Ovarian Cancer. Identifiers: Orphanet 145, MedGen C2675520, MONDO:0012933, OMIM 612555. Disease mechanism: loss of function.
Hereditary cancer-predisposing syndrome. Also called: Tumor predisposition; Hereditary neoplastic syndrome; Neoplastic Syndromes, Hereditary; Hereditary Cancer Syndrome. Identifiers: Orphanet 140162, MedGen C0027672, MeSH D009386, MONDO:0015356.

Submissions (2):

University of Washington Department of Laboratory Medicine, University of Washington
Classification: Likely benign for Hereditary cancer-predisposing syndrome. Last evaluated: 2023-03-23. Review status: criteria provided, single submitter. Criteria: Dines et al. (Genet Med. 2020). Collection method: curation. Allele origin: germline.
Comment: Missense variant in a coldspot region where missense variants are very unlikely to be pathogenic (PMID:31911673).

BRCA2 exon 11 coldspot. Reclassification based on statistical prior probability.

University of Science and Technology Houari Boumediene, Laboratory of Molecular and Cellular Biology (LBCM)
Classification: Uncertain significance for Breast-ovarian cancer, familial, susceptibility to, 2. Review status: criteria provided, single submitter. Criteria: ACMG Guidelines, 2015. Collection method: clinical testing. Allele origin: germline.

Literature cited by the submitters: PubMed 23697973 (cited by University of Science and Technology Houari Boumediene, Laboratory of Molecular and Cellular Biology (LBCM)).

NM_000059.4(BRCA2):c.3037T>A (p.Ser1013Thr)

Gene: BRCA2 (BRCA2 DNA repair associated; plus strand). Cytogenetic location: 13q13.1.
Variant type: single nucleotide variant.
Coding change: c.3037T>A on transcript NM_000059.4 (MANE Select); coding-DNA position 3037, T replaced by A.
Protein change: p.Ser1013Thr; replaces serine 1013 with threonine.
Molecular consequence: missense variant.
Genome position (GRCh38, 1-based): chr13:32,337,392, T>A. VCF-style: chr13-32337392-T-A. GRCh37 (hg19) VCF-style: chr13-32911529-T-A.
Other names: short protein forms S1013T.
Identifiers: ClinVar variation 1527842 (VCV001527842.5), dbSNP rs2137492436, ClinGen allele CA387774948.